The following is an entry in ClinVar:

NM_016312.3(WBP11):c.1450C>T (p.Pro484Ser)

Gene: WBP11 (WW domain binding protein 11; minus strand). Cytogenetic location: 12p12.3.
Variant type: single nucleotide variant.
Coding change: c.1450C>T on transcript NM_016312.3 (MANE Select); coding-DNA position 1450, C replaced by T.
Protein change: p.Pro484Ser; replaces proline 484 with serine.
Molecular consequence: missense variant.
Genome position (GRCh38, 1-based): chr12:14,788,993, G>A on the plus strand (C>T on the coding strand, the complement: WBP11 is on the minus strand). VCF-style: chr12-14788993-G-A. GRCh37 (hg19) VCF-style: chr12-14941927-G-A.
Other names: short protein forms P484S.
Identifiers: ClinVar variation 3771727 (VCV003771727.13).
Genomic context (GRCh38, chr12:14,788,993, plus strand): 5'-AGAAATTGAAAGCATCACCTGGAGGTGCAGGGGGAGGTAGCCTTGGTGGGGGTCCACGAG[G>A]AGGGGGACCAGGAGGCAGACCTGGAGGTGGACCTGGGGGAGGGCCAGGGGGTCGGCCTGG-3'
Protein context (NP_057396.1, residues 474-494): PPPGLPPGPP[Pro484Ser]RGPPPRLPPP

ClinVar aggregate classification (germline): Uncertain significance (1 of 4 stars; one submission).

Submission:

CeGaT Center for Human Genetics Tuebingen
Classification: Uncertain significance. Last evaluated: 2025-01-01. Review status: criteria provided, single submitter. Criteria: CeGaT Center For Human Genetics Tuebingen Variant Classification Criteria Version 2. Collection method: clinical testing. Allele origin: germline. Affected: yes. Observed: 1 variant allele.
Comment: WBP11: PM2, PP3